The following is an entry in ClinVar:

ClinVar aggregate classification (germline): Uncertain significance. Review status: criteria provided, multiple submitters, no conflicts (2 of 4 stars). 2 submissions from 2 submitters: Uncertain significance (2). Last evaluated 2025-12-06.

Conditions:
Glanzmann thrombasthenia. Also called: Thrombasthenia; Glanzmann's thrombasthenia; BLEEDING DISORDER, PLATELET-TYPE, 2; THROMBASTHENIA OF GLANZMANN AND NAEGELI; PLATELET GLYCOPROTEIN IIb-IIIa DEFICIENCY. Identifiers: Orphanet 849, MedGen C0040015, MONDO:0100326.
Inborn genetic diseases. Identifiers: MedGen C0950123, MeSH D030342.

Allele frequency attached by ClinVar (database versions not stated): TOPMed 0.00005; gnomAD exomes 0.00006; gnomAD 0.00008.
gnomAD v4.1: 94 of 1,613,370 alleles (0.0058%); highest among the groups gnomAD compares: Non-Finnish European, 0.0076%; no homozygotes.

Submissions (2):

Labcorp Genetics (formerly Invitae), Labcorp
Classification: Uncertain significance for Glanzmann thrombasthenia. Last evaluated: 2025-12-06. Review status: criteria provided, single submitter. Criteria: Invitae Variant Classification Sherloc (09022015). Collection method: clinical testing. Allele origin: germline.
Comment: This sequence change replaces glutamic acid, which is acidic and polar, with aspartic acid, which is acidic and polar, at codon 673 of the ITGA2B protein (p.Glu673Asp). This variant is present in population databases (no rsID available, gnomAD 0.004%). This variant has not been reported in the literature in individuals affected with ITGA2B-related conditions. ClinVar contains an entry for this variant (Variation ID: 2156073). Invitae Evidence Modeling of protein sequence and biophysical properties (such as structural, functional, and spatial information, amino acid conservation, physicochemical variation, residue mobility, and thermodynamic stability) has been performed for this missense variant. However, the output from this modeling did not meet the statistical confidence thresholds required to predict the impact of this variant on ITGA2B protein function. In summary, the available evidence is currently insufficient to determine the role of this variant in disease. Therefore, it has been classified as a Variant of Uncertain Significance.

Ambry Genetics
Classification: Uncertain significance for Inborn genetic diseases. Last evaluated: 2025-04-29. Review status: criteria provided, single submitter. Criteria: Ambry Variant Classification Scheme 2023. Collection method: clinical testing. Allele origin: germline.

NM_000419.5(ITGA2B):c.2019G>C (p.Glu673Asp)

Gene: ITGA2B (integrin subunit alpha 2b; minus strand). Cytogenetic location: 17q21.31.
Variant type: single nucleotide variant.
Coding change: c.2019G>C on transcript NM_000419.5 (MANE Select); coding-DNA position 2019, G replaced by C.
Protein change: p.Glu673Asp; replaces glutamic acid 673 with aspartic acid.
Molecular consequence: missense variant.
Genome position (GRCh38, 1-based): chr17:44,378,437, C>G on the plus strand (G>C on the coding strand, the complement: ITGA2B is on the minus strand). VCF-style: chr17-44378437-C-G. GRCh37 (hg19) VCF-style: chr17-42455805-C-G.
Other names: short protein forms E673D.
Identifiers: ClinVar variation 2156073 (VCV002156073.6), dbSNP rs987726990, ClinGen allele CA290948808.